The following is an entry in ClinVar:

ClinVar aggregate classification (germline): Likely benign. Review status: criteria provided, multiple submitters, no conflicts (2 of 4 stars). 2 submissions from 2 submitters: Likely benign (2). Last evaluated 2024-01-24.

Conditions:
Nemaline myopathy 2 (NEM2). Also called: Nemaline myopathy 2, autosomal recessive. Identifiers: MedGen C1850569, MONDO:0009725, OMIM 256030.

Allele frequency attached by ClinVar (database versions not stated): gnomAD 0.00001; gnomAD exomes 0.00001; TOPMed 0.00001.
gnomAD v4.1: 14 of 1,592,358 alleles (0.00088%); highest among the groups gnomAD compares: Middle Eastern, 0.017%; no homozygotes.

Submissions (2):

Labcorp Genetics (formerly Invitae), Labcorp
Classification: Likely benign for Nemaline myopathy 2. Last evaluated: 2024-01-24. Review status: criteria provided, single submitter. Criteria: Invitae Variant Classification Sherloc (09022015). Collection method: clinical testing. Allele origin: germline.

GeneDx
Classification: Likely benign. Last evaluated: 2017-01-27. Review status: criteria provided, single submitter. Criteria: GeneDx Variant Classification (06012015). Collection method: clinical testing. Allele origin: germline. Affected: yes.
Comment: This variant is considered likely benign or benign based on one or more of the following criteria: it is a conservative change, it occurs at a poorly conserved position in the protein, it is predicted to be benign by multiple in silico algorithms, and/or has population frequency not consistent with disease.

NM_001164508.2(NEB):c.4596C>T (p.Ala1532=)

Gene: NEB (nebulin; minus strand). Cytogenetic location: 2q23.3.
Variant type: single nucleotide variant.
Coding change: c.4596C>T on transcript NM_001164508.2 (MANE Select); coding-DNA position 4596, C replaced by T.
Protein change: p.Ala1532=; no amino-acid change (alanine 1532 retained).
Molecular consequence: synonymous variant.
Genome position (GRCh38, 1-based): chr2:151,669,042, G>A on the plus strand (C>T on the coding strand, the complement: NEB is on the minus strand). VCF-style: chr2-151669042-G-A. GRCh37 (hg19) VCF-style: chr2-152525556-G-A.
Other names: c.4596C>T, p.Ala1532= (NM_001164507.2, NM_001271208.2, NM_004543.5).
Identifiers: ClinVar variation 507046 (VCV000507046.13), dbSNP rs1258108366, ClinGen allele CA429242258.
Genomic context (GRCh38, chr2:151,669,042, plus strand): 5'-GGAGAGGCCCGCATACGCAATATTAGCACTGGGCCAAATACTCACATCACTCATGTTGAG[G>A]GCGTTGACTTTGGCTTGAATAAACTGAGGCAATTCAGGGTCAATAGTATACTTGTGCTTC-3'
Protein context (NP_001157980.2, residues 1522-1542): LPQFIQAKVN[Ala1532=]LNMSDAHYKA